The following is an entry in ClinVar:

ClinVar aggregate classification (germline): Uncertain significance (1 of 4 stars; one submission).

Submission:

Ambry Genetics
Classification: Uncertain significance. Last evaluated: 2024-05-11. Review status: criteria provided, single submitter. Criteria: Ambry Variant Classification Scheme 2023. Collection method: clinical testing. Allele origin: germline.
Comment: The p.P1486A variant (also known as c.4456C>G), located in coding exon 40 of the KIF1B gene, results from a C to G substitution at nucleotide position 4456. The proline at codon 1486 is replaced by alanine, an amino acid with highly similar properties. This amino acid position is conserved. In addition, the in silico prediction for this alteration is inconclusive. Based on the available evidence, the clinical significance of this variant remains unclear.

NM_001365951.3(KIF1B):c.4594C>G (p.Pro1532Ala)

Gene: KIF1B (kinesin family member 1B; plus strand). Cytogenetic location: 1p36.22.
Variant type: single nucleotide variant.
Coding change: c.4594C>G on transcript NM_001365951.3 (MANE Select); coding-DNA position 4594, C replaced by G.
Protein change: p.Pro1532Ala; replaces proline 1532 with alanine.
Molecular consequence: missense variant.
Genome position (GRCh38, 1-based): chr1:10,365,490, C>G. VCF-style: chr1-10365490-C-G. GRCh37 (hg19) VCF-style: chr1-10425548-C-G.
Other names: c.4594C>G, p.Pro1532Ala (NM_001365952.1); c.4456C>G, p.Pro1486Ala (NM_015074.3); short protein forms P1486A, P1532A.
Identifiers: ClinVar variation 3288450 (VCV003288450.1).